The following is an entry in ClinVar:

NM_016292.3(TRAP1):c.2020G>C (p.Glu674Gln)

Genes: DNASE1 (deoxyribonuclease 1; plus strand), TRAP1 (TNF receptor associated protein 1; minus strand). Cytogenetic location: 16p13.3.
Variant type: single nucleotide variant.
Coding change: c.2020G>C on transcript NM_016292.3 (MANE Select); coding-DNA position 2020, G replaced by C.
Protein change: p.Glu674Gln; replaces glutamic acid 674 with glutamine.
Molecular consequence: missense variant. On other transcripts: intron variant (1).
Genome position (GRCh38, 1-based): chr16:3,658,224, C>G on the plus strand (G>C on the coding strand, the complement: TRAP1 is on the minus strand). VCF-style: chr16-3658224-C-G. GRCh37 (hg19) VCF-style: chr16-3708225-C-G.
Other names: c.1861G>C, p.Glu621Gln (NM_001272049.2); c.*21+357C>G (NM_001387140.1); short protein forms E621Q, E674Q.
Identifiers: ClinVar variation 1430823 (VCV001430823.8), dbSNP rs371641134, ClinGen allele CA276971221.

ClinVar aggregate classification (germline): Uncertain significance. Review status: criteria provided, multiple submitters, no conflicts (2 of 4 stars). 2 submissions from 2 submitters: Uncertain significance (2). Last evaluated 2025-04-08.

Allele frequency attached by ClinVar (database versions not stated): TOPMed 0.00001.
gnomAD v4.1: 10 of 1,613,400 alleles (0.00062%); highest among the groups gnomAD compares: African/African-American, 0.0013%; no homozygotes.

Submissions (2):

Ambry Genetics
Classification: Uncertain significance. Last evaluated: 2025-04-08. Review status: criteria provided, single submitter. Criteria: Ambry Variant Classification Scheme 2023. Collection method: clinical testing. Allele origin: germline.

Labcorp Genetics (formerly Invitae), Labcorp
Classification: Uncertain significance. Last evaluated: 2022-07-18. Review status: criteria provided, single submitter. Criteria: Invitae Variant Classification Sherloc (09022015). Collection method: clinical testing. Allele origin: germline.
Comment: This sequence change replaces glutamic acid, which is acidic and polar, with glutamine, which is neutral and polar, at codon 674 of the TRAP1 protein (p.Glu674Gln). In summary, the available evidence is currently insufficient to determine the role of this variant in disease. Therefore, it has been classified as a Variant of Uncertain Significance. Algorithms developed to predict the effect of missense changes on protein structure and function are either unavailable or do not agree on the potential impact of this missense change (SIFT: "Tolerated"; PolyPhen-2: "Possibly Damaging"; Align-GVGD: "Class C0"). ClinVar contains an entry for this variant (Variation ID: 1430823). This variant has not been reported in the literature in individuals affected with TRAP1-related conditions. This variant is present in population databases (no rsID available, gnomAD 0.002%).